The following is an entry in ClinVar:

ClinVar aggregate classification (germline): Pathogenic/Likely pathogenic. Review status: criteria provided, multiple submitters, no conflicts (2 of 4 stars). 3 submissions from 3 submitters: Pathogenic (1); Likely pathogenic (1). 1 of the submissions does not count toward it. Last evaluated 2025-11-17.

Conditions:
Glutaric acidemia type 2C.
Glutaric acidemia IIc. Also called: ETFDH deficiency. Identifiers: MedGen C3278156, MONDO:0700076.
Multiple acyl-CoA dehydrogenase deficiency (MADD). Also called: ETHYLMALONIC-ADIPICACIDURIA; GA II; Glutaric acidemia type II; GA 2; Glutaric aciduria, type 2; Glutaric Acidemia type 2. Identifiers: Orphanet 26791, MedGen C0268596, MONDO:0009282, OMIM 231680.

Allele frequency attached by ClinVar (database versions not stated): TOPMed below 0.00001; gnomAD exomes 0.00001.

Submissions (3):

Natera, Inc.
Classification: Likely pathogenic for Glutaric acidemia type 2C. Last evaluated: 2025-11-17. Review status: criteria provided, single submitter. Criteria: Natera Variant Classification Schema (03/2026). Collection method: clinical testing. Allele origin: germline.
Comment: The c.2T>C variant in ETFDH is predicted to result in start loss due to disruption of the initiator methionine. This variant is expected to result in nonsense mediated decay, truncation, or a dysfunctional protein product. This variant is rare in the general population with a frequency below the threshold expected for the associated phenotype(s). Given the available evidence, this variant is classified as Likely Pathogenic.

Labcorp Genetics (formerly Invitae), Labcorp
Classification: Pathogenic for Multiple acyl-CoA dehydrogenase deficiency. Last evaluated: 2023-04-09. Review status: criteria provided, single submitter. Criteria: Invitae Variant Classification Sherloc (09022015). Collection method: clinical testing. Allele origin: germline.
Comment: For these reasons, this variant has been classified as Pathogenic. This variant disrupts a region of the ETFDH protein in which other variant(s) (p.Pro27Ser) have been determined to be pathogenic (PMID: 3126856, 20023066, 27038534; Invitae). This suggests that this is a clinically significant region of the protein, and that variants that disrupt it are likely to be disease-causing. ClinVar contains an entry for this variant (Variation ID: 12026). Disruption of the initiator codon has been observed in individuals with multiple acyl-CoA dehydrogenase deficiency (PMID: 24357026, 29336361). This variant is not present in population databases (gnomAD no frequency). This sequence change affects the initiator methionine of the ETFDH mRNA. The next in-frame methionine is located at codon 62.

OMIM
Classification: Pathogenic for GLUTARIC ACIDEMIA IIC. Last evaluated: 2012-05-25. Review status: no assertion criteria provided. Collection method: literature only. Allele origin: germline. Not counted in ClinVar's aggregate classification.

Literature cited by the submitters: PubMed 3126856 (cited by Labcorp Genetics (formerly Invitae), Labcorp); PubMed 20023066 (cited by Labcorp Genetics (formerly Invitae), Labcorp); PubMed 27038534 (cited by Labcorp Genetics (formerly Invitae), Labcorp); PubMed 24357026 (cited by Labcorp Genetics (formerly Invitae), Labcorp); PubMed 29336361 (cited by Labcorp Genetics (formerly Invitae), Labcorp); Beard, S. E., Spector, E. B., Seltzer, W. K., Frerman, F. E., Goodman, S. I. Mutations in electron transfer flavoprotein:ubiquinone oxidoreductase (ETF:QO) in glutaric acidemia type II (GA2). (Abstract) Clin. Res. 41: 271A, 1993. (cited by OMIM).

NM_004453.4(ETFDH):c.2T>C (p.Met1Thr)

Gene: ETFDH (electron transfer flavoprotein dehydrogenase; plus strand). Cytogenetic location: 4q32.1.
Variant type: single nucleotide variant.
Coding change: c.2T>C on transcript NM_004453.4 (MANE Select); coding-DNA position 2, T replaced by C.
Protein change: p.Met1Thr; changes the start codon (methionine 1).
Molecular consequence: missense variant, initiator codon variant.
Genome position (GRCh38, 1-based): chr4:158,672,458, T>C. VCF-style: chr4-158672458-T-C. GRCh37 (hg19) VCF-style: chr4-159593610-T-C.
Other names: c.2T>C (NM_004453.3); c.2T>C, p.Met1Thr (NM_001281737.2); short protein forms M1T.
Identifiers: ClinVar variation 12026 (VCV000012026.8), dbSNP rs121964953, ClinGen allele CA121815.
Genomic context (GRCh38, chr4:158,672,458, plus strand): 5'-CCGCGAGCAGCGGACAGTCCTCCTGTTGTGTCCGACCGAGAGTCCTGGTGACTTTGAACA[T>C]GCTGGTGCCGCTAGCCAAGCTGTCCTGCCTGGGTGAGAGGAAACGGGCGGTGGGGATAAG-3'
Protein context (NP_004444.2, residues 1-11): [Met1Thr]LVPLAKLSCL